The following is an entry in ClinVar:

NM_004281.4(BAG3):c.547T>C (p.Ser183Pro)

Gene: BAG3 (BAG cochaperone 3; plus strand). Cytogenetic location: 10q26.11.
Variant type: single nucleotide variant.
Coding change: c.547T>C on transcript NM_004281.4 (MANE Select); coding-DNA position 547, T replaced by C.
Protein change: p.Ser183Pro; replaces serine 183 with proline.
Molecular consequence: missense variant.
Genome position (GRCh38, 1-based): chr10:119,672,294, T>C. VCF-style: chr10-119672294-T-C. GRCh37 (hg19) VCF-style: chr10-121431806-T-C.
Other names: short protein forms S183P.
Identifiers: ClinVar variation 1056724 (VCV001056724.11), dbSNP rs772491154, ClinGen allele CA5716365.

ClinVar aggregate classification (germline): Uncertain significance. Review status: criteria provided, multiple submitters, no conflicts (2 of 4 stars). 2 submissions from 2 submitters: Uncertain significance (2). Last evaluated 2022-07-19.

Conditions:
Myofibrillar myopathy 6. Identifiers: Orphanet 199340, MedGen C2751831, MONDO:0013061, OMIM 612954.
Dilated cardiomyopathy 1HH (CMD1HH). Identifiers: Orphanet 154, MedGen C3151293, MONDO:0013479, OMIM 613881.
Cardiovascular phenotype. Identifiers: MedGen CN230736.

Allele frequency attached by ClinVar (database versions not stated): gnomAD exomes below 0.00001; ExAC 0.00001.
gnomAD v4.1: 1 of 1,613,808 alleles (0.000062%); highest among the groups gnomAD compares: African/African-American, 0.0013%; no homozygotes.

Submissions (2):

Labcorp Genetics (formerly Invitae), Labcorp
Classification: Uncertain significance for Dilated cardiomyopathy 1HH; Myofibrillar myopathy 6. Last evaluated: 2022-07-19. Review status: criteria provided, single submitter. Criteria: Invitae Variant Classification Sherloc (09022015). Collection method: clinical testing. Allele origin: germline.
Comment: In summary, the available evidence is currently insufficient to determine the role of this variant in disease. Therefore, it has been classified as a Variant of Uncertain Significance. Algorithms developed to predict the effect of missense changes on protein structure and function are either unavailable or do not agree on the potential impact of this missense change (SIFT: "Tolerated"; PolyPhen-2: "Probably Damaging"; Align-GVGD: "Class C0"). ClinVar contains an entry for this variant (Variation ID: 1056724). This variant has not been reported in the literature in individuals affected with BAG3-related conditions. This variant is present in population databases (rs772491154, gnomAD 0.007%). This sequence change replaces serine, which is neutral and polar, with proline, which is neutral and non-polar, at codon 183 of the BAG3 protein (p.Ser183Pro).

Ambry Genetics
Classification: Uncertain significance for Cardiovascular phenotype. Last evaluated: 2021-10-29. Review status: criteria provided, single submitter. Criteria: Ambry Variant Classification Scheme 2023. Collection method: clinical testing. Allele origin: germline.
Comment: The p.S183P variant (also known as c.547T>C), located in coding exon 3 of the BAG3 gene, results from a T to C substitution at nucleotide position 547. The serine at codon 183 is replaced by proline, an amino acid with similar properties. This amino acid position is conserved. In addition, this alteration is predicted to be tolerated by in silico analysis. Since supporting evidence is limited at this time, the clinical significance of this alteration remains unclear.